The following is an entry in ClinVar:

NM_006949.4(STXBP2):c.58C>T (p.Arg20Trp)

Gene: STXBP2 (syntaxin binding protein 2; plus strand). Cytogenetic location: 19p13.2.
Variant type: single nucleotide variant.
Coding change: c.58C>T on transcript NM_006949.4 (MANE Select); coding-DNA position 58, C replaced by T.
Protein change: p.Arg20Trp; replaces arginine 20 with tryptophan.
Molecular consequence: missense variant. On other transcripts: 5 prime UTR variant (1), non-coding transcript variant (1).
Genome position (GRCh38, 1-based): chr19:7,638,746, C>T. VCF-style: chr19-7638746-C-T. GRCh37 (hg19) VCF-style: chr19-7703632-C-T.
Other names: c.58C>T, p.Arg20Trp (NM_001127396.3, NM_001272034.2); c.-39C>T (NM_001414484.1); short protein forms R20W.
Identifiers: ClinVar variation 2577877 (VCV002577877.3), dbSNP rs1030575812, ClinGen allele CA304903264.

ClinVar aggregate classification (germline): Uncertain significance. Review status: criteria provided, multiple submitters, no conflicts (2 of 4 stars). 3 submissions from 3 submitters: Uncertain significance (3). Last evaluated 2025-05-01.

Conditions:
Familial hemophagocytic lymphohistiocytosis 5. Also called: STXBP2-Related Familial Hemophagocytic Lymphohistiocytosis (STXBP2-fHLH). Identifiers: Orphanet 540, MedGen C2751293, MONDO:0013135, OMIM 613101.
Inborn genetic diseases. Identifiers: MedGen C0950123, MeSH D030342.

Allele frequency attached by ClinVar (database versions not stated): gnomAD exomes below 0.00001; gnomAD 0.00002; TOPMed 0.00002.
gnomAD v4.1: 12 of 1,613,958 alleles (0.00074%); highest among the groups gnomAD compares: South Asian, 0.0011%; no homozygotes.

Submissions (3):

Ambry Genetics
Classification: Uncertain significance for Inborn genetic diseases. Last evaluated: 2025-05-01. Review status: criteria provided, single submitter. Criteria: Ambry Variant Classification Scheme 2023. Collection method: clinical testing. Allele origin: germline.

3billion
Classification: Uncertain significance for Familial hemophagocytic lymphohistiocytosis 5. Last evaluated: 2024-07-30. Review status: criteria provided, single submitter. Criteria: ACMG Guidelines, 2015. Collection method: clinical testing. Allele origin: germline. Affected: yes.
Comment: The variant is observed at an extremely low frequency in the gnomAD v4.0.0 dataset (total allele frequency: <0.001%). Predicted Consequence/Location: Missense variant Damaging effect on gene or gene product predicted by in silico programs is uncertain [REVEL: 0.45 (damaging >=0.6, benign <0.4)]. The variant has been reported as of uncertain significance (ClinVar ID: VCV002577877). Therefore, this variant is classified as VUS according to the recommendation of ACMG/AMP guideline.

Kasturba Medical College, Manipal, Kasturba Medical College, Manipal, Manipal Academy of Higher Education, Manipal, India
Classification: Uncertain significance for Familial hemophagocytic lymphohistiocytosis 5. Review status: criteria provided, single submitter. Criteria: ACMG Guidelines, 2015. Collection method: clinical testing. Allele origin: biparental. Affected: yes.